The following is an entry in ClinVar:

ClinVar aggregate classification (germline): Uncertain significance. Review status: criteria provided, multiple submitters, no conflicts (2 of 4 stars). 2 submissions from 2 submitters: Uncertain significance (2). Last evaluated 2025-09-18.

Conditions:
Cardiovascular phenotype. Identifiers: MedGen CN230736.
RASopathy. Also called: Noonan spectrum disorder; rasopathies. Identifiers: Orphanet 536391, MedGen C5555857, MONDO:0021060.

Submissions (2):

Ambry Genetics
Classification: Uncertain significance for Cardiovascular phenotype. Last evaluated: 2025-09-18. Review status: criteria provided, single submitter. Criteria: Ambry Variant Classification Scheme 2023. Collection method: clinical testing. Allele origin: germline.
Comment: The p.L476F variant (also known as c.1426C>T), located in coding exon 13 of the RAF1 gene, results from a C to T substitution at nucleotide position 1426. The leucine at codon 476 is replaced by phenylalanine, an amino acid with highly similar properties. This amino acid position is highly conserved in available vertebrate species. In addition, this alteration is predicted to be deleterious by in silico analysis. Based on the available evidence, the clinical significance of this variant remains unclear.

Labcorp Genetics (formerly Invitae), Labcorp
Classification: Uncertain significance for RASopathy. Last evaluated: 2022-08-16. Review status: criteria provided, single submitter. Criteria: Invitae Variant Classification Sherloc (09022015). Collection method: clinical testing. Allele origin: germline.
Comment: This sequence change replaces leucine, which is neutral and non-polar, with phenylalanine, which is neutral and non-polar, at codon 476 of the RAF1 protein (p.Leu476Phe). This variant is not present in population databases (gnomAD no frequency). This variant has not been reported in the literature in individuals affected with RAF1-related conditions. ClinVar contains an entry for this variant (Variation ID: 955706). Advanced modeling of protein sequence and biophysical properties (such as structural, functional, and spatial information, amino acid conservation, physicochemical variation, residue mobility, and thermodynamic stability) performed at Invitae indicates that this missense variant is expected to disrupt RAF1 protein function. In summary, the available evidence is currently insufficient to determine the role of this variant in disease. Therefore, it has been classified as a Variant of Uncertain Significance.

NM_002880.4(RAF1):c.1426C>T (p.Leu476Phe)

Gene: RAF1 (Raf-1 proto-oncogene, serine/threonine kinase; minus strand). Cytogenetic location: 3p25.2.
Variant type: single nucleotide variant.
Coding change: c.1426C>T on transcript NM_002880.4 (MANE Select); coding-DNA position 1426, C replaced by T.
Protein change: p.Leu476Phe; replaces leucine 476 with phenylalanine.
Molecular consequence: missense variant. On other transcripts: non-coding transcript variant (3).
Genome position (GRCh38, 1-based): chr3:12,585,791, G>A on the plus strand (C>T on the coding strand, the complement: RAF1 is on the minus strand). VCF-style: chr3-12585791-G-A. GRCh37 (hg19) VCF-style: chr3-12627290-G-A.
Other names: c.1486C>T, p.Leu496Phe (NM_001354689.3); c.1426C>T, p.Leu476Phe (NM_001354690.3); c.1183C>T, p.Leu395Phe (NM_001354691.3, NM_001354692.3); c.1327C>T, p.Leu443Phe (NM_001354693.3); c.1243C>T, p.Leu415Phe (NM_001354694.3); c.1084C>T, p.Leu362Phe (NM_001354695.3); short protein forms L395F, L415F, L476F, L496F, L362F, L443F.
Identifiers: ClinVar variation 955706 (VCV000955706.8), dbSNP rs2058315266, ClinGen allele CA351499283.
Genomic context (GRCh38, chr3:12,585,791, plus strand): 5'-AGCGTGACTTTACTGTTGCCAAACCAAAATCTCCAATTTTCACTGTTAAGCCTTCATGGA[G>A]AAATATATCTCAATGCTTGTTAAGGACTCTGGTTTCAAAAGAATGGTCAGGTTAATTTTG-3'
Protein context (NP_002871.1, residues 466-486): HRDMKSNNIF[Leu476Phe]HEGLTVKIGD